The following is an entry in ClinVar:

ClinVar aggregate classification (germline): Uncertain significance (1 of 4 stars; one submission).

Submission:

GeneDx
Classification: Uncertain significance. Last evaluated: 2024-11-19. Review status: criteria provided, single submitter. Criteria: GeneDx Variant Classification Process June 2021. Collection method: clinical testing. Allele origin: germline. Affected: yes.
Comment: Not observed at significant frequency in large population cohorts (gnomAD); Has not been previously published as pathogenic or benign to our knowledge; Nonsense variant predicted to result in protein truncation or nonsense mediated decay in a gene for which loss-of-function is not a known mechanism of disease

NM_138792.4(LEO1):c.1174C>T (p.Gln392Ter)

Gene: LEO1 (LEO1 homolog, Paf1/RNA polymerase II complex component; minus strand). Cytogenetic location: 15q21.2.
Variant type: single nucleotide variant.
Coding change: c.1174C>T on transcript NM_138792.4 (MANE Select); coding-DNA position 1174, C replaced by T.
Protein change: p.Gln392Ter; replaces glutamine 392 with a stop codon.
Molecular consequence: nonsense. On other transcripts: intron variant (1).
Genome position (GRCh38, 1-based): chr15:51,958,813, G>A on the plus strand (C>T on the coding strand, the complement: LEO1 is on the minus strand). VCF-style: chr15-51958813-G-A. GRCh37 (hg19) VCF-style: chr15-52251010-G-A.
Other names: c.1174C>T, p.Gln392Ter (NM_001323903.2, NM_001323904.2, NM_001426597.1 and 1 more transcripts); c.1160+1086C>T (NM_001286430.2); short protein forms Q392*.
Identifiers: ClinVar variation 3899597 (VCV003899597.1).
Genomic context (GRCh38, chr15:51,958,813, plus strand): 5'-ACCTGGTTCTACCTTCTTCATCCAGCATTTCTTCATCTTCAAATTCATCTTCATAATACT[G>A]AGGATCAAAAGGTCTACAAATTGTTTTCCAAATAAACTATTAATCATATTTTATAAAGAA-3'